The following is an entry in ClinVar:

NM_001111.5(ADAR):c.1795_1806del (p.Ser599_Pro602del)

Gene: ADAR (adenosine deaminase RNA specific; minus strand). Cytogenetic location: 1q21.3.
Variant type: Deletion.
Coding change: c.1795_1806del on transcript NM_001111.5 (MANE Select); coding-DNA positions 1795 to 1806, 12 bases deleted (TCCCAGACCCCC).
Protein change: p.Ser599_Pro602del.
Molecular consequence: inframe deletion.
Genome position (GRCh38, 1-based): chr1:154,597,956-154,597,967, GGGGGTCTGGGA deleted on the plus strand (TCCCAGACCCCC on the coding strand, the reverse complement: ADAR is on the minus strand). VCF-style (leftmost placement, unchanged base first): chr1-154597955-TGGGGGTCTGGGA-T. GRCh37 (hg19) VCF-style: chr1-154570431-TGGGGGTCTGGGA-T.
Other names: c.910_921del, p.Ser304_Pro307del (NM_001025107.3, NM_001193495.2, NM_001365046.1 and 3 more transcripts); c.1822_1833del, p.Ser608_Pro611del (NM_001365045.1); c.1795_1806del, p.Ser599_Pro602del (NM_015840.4, NM_015841.4).
Identifiers: ClinVar variation 2950468 (VCV002950468.3), dbSNP rs2526606267, ClinGen allele CA2740090380.

ClinVar aggregate classification (germline): Uncertain significance (1 of 4 stars; one submission).

Conditions:
Symmetrical dyschromatosis of extremities (DSH). Also called: DYSCHROMATOSIS SYMMETRICA HEREDITARIA 1; RETICULATE ACROPIGMENTATION OF DOHI; SYMMETRIC DYSCHROMATOSIS OF THE EXTREMITIES; Dyschromatosis symmetrica hereditaria. Identifiers: Orphanet 41, MedGen C0406775, MONDO:0007483, OMIM 127400.
Aicardi-Goutieres syndrome 6 (AGS6). Identifiers: Orphanet 51, MedGen C3539013, MONDO:0014007, OMIM 615010.

Submission:

Labcorp Genetics (formerly Invitae), Labcorp
Classification: Uncertain significance for Aicardi-Goutieres syndrome 6; Symmetrical dyschromatosis of extremities. Last evaluated: 2024-02-26. Review status: criteria provided, single submitter. Criteria: Invitae Variant Classification Sherloc (09022015). Collection method: clinical testing. Allele origin: germline.
Comment: This variant, c.1795_1806del, results in the deletion of 4 amino acid(s) of the ADAR protein (p.Ser599_Pro602del), but otherwise preserves the integrity of the reading frame. This variant is not present in population databases (gnomAD no frequency). This variant has not been reported in the literature in individuals affected with ADAR-related conditions. Experimental studies and prediction algorithms are not available or were not evaluated, and the functional significance of this variant is currently unknown. In summary, the available evidence is currently insufficient to determine the role of this variant in disease. Therefore, it has been classified as a Variant of Uncertain Significance.